The following is an entry in ClinVar:

ClinVar aggregate classification (germline): Uncertain significance. Review status: criteria provided, multiple submitters, no conflicts (2 of 4 stars). 2 submissions from 2 submitters: Uncertain significance (2). Last evaluated 2021-05-12.

Conditions:
Ataxia-telangiectasia syndrome (AT). Also called: Ataxia-telangiectasia, complementation group E; Cerebello-oculocutaneous telangiectasia; Immunodeficiency with ataxia telangiectasia; Ataxia-telangiectasia, complementation group D; AT, COMPLEMENTATION GROUP C; Ataxia-telangiectasia. Identifiers: Orphanet 100, MedGen C0004135, MONDO:0008840, OMIM 208900.
Hereditary cancer-predisposing syndrome. Also called: Neoplastic Syndromes, Hereditary; Hereditary Cancer Syndrome; Hereditary neoplastic syndrome; Tumor predisposition. Identifiers: Orphanet 140162, MedGen C0027672, MeSH D009386, MONDO:0015356.

Submissions (2):

Ambry Genetics
Classification: Uncertain significance for Hereditary cancer-predisposing syndrome. Last evaluated: 2021-05-12. Review status: criteria provided, single submitter. Criteria: Ambry Variant Classification Scheme 2023. Collection method: clinical testing. Allele origin: germline.
Comment: The p.I1688R variant (also known as c.5063T>G), located in coding exon 33 of the ATM gene, results from a T to G substitution at nucleotide position 5063. The isoleucine at codon 1688 is replaced by arginine, an amino acid with similar properties. This amino acid position is not well conserved in available vertebrate species. In addition, the in silico prediction for this alteration is inconclusive. Since supporting evidence is limited at this time, the clinical significance of this alteration remains unclear.

Labcorp Genetics (formerly Invitae), Labcorp
Classification: Uncertain significance for Ataxia-telangiectasia syndrome. Last evaluated: 2020-10-10. Review status: criteria provided, single submitter. Criteria: Invitae Variant Classification Sherloc (09022015). Collection method: clinical testing. Allele origin: germline.
Comment: In summary, the available evidence is currently insufficient to determine the role of this variant in disease. Therefore, it has been classified as a Variant of Uncertain Significance. Algorithms developed to predict the effect of missense changes on protein structure and function are either unavailable or do not agree on the potential impact of this missense change (SIFT: "Deleterious"; PolyPhen-2: "Benign"; Align-GVGD: "Class C25"). This variant has not been reported in the literature in individuals with ATM-related conditions. This variant is not present in population databases (ExAC no frequency). This sequence change replaces isoleucine with arginine at codon 1688 of the ATM protein (p.Ile1688Arg). The isoleucine residue is weakly conserved and there is a moderate physicochemical difference between isoleucine and arginine.

NM_000051.4(ATM):c.5063T>G (p.Ile1688Arg)

Gene: ATM (ATM serine/threonine kinase; plus strand). Cytogenetic location: 11q22.3.
Variant type: single nucleotide variant.
Coding change: c.5063T>G on transcript NM_000051.4 (MANE Select); coding-DNA position 5063, T replaced by G.
Protein change: p.Ile1688Arg; replaces isoleucine 1688 with arginine.
Molecular consequence: missense variant.
Genome position (GRCh38, 1-based): chr11:108,299,771, T>G. VCF-style: chr11-108299771-T-G. GRCh37 (hg19) VCF-style: chr11-108170498-T-G.
Other names: c.5063T>G, p.Ile1688Arg (NM_001351834.2); short protein forms I1688R.
Identifiers: ClinVar variation 851837 (VCV000851837.12), dbSNP rs199836342, ClinGen allele CA382540514.